The following is an entry in ClinVar:

ClinVar aggregate classification (germline): Pathogenic/Likely pathogenic. Review status: criteria provided, multiple submitters, no conflicts (2 of 4 stars). 3 submissions from 3 submitters: Pathogenic (2); Likely pathogenic (1). Last evaluated 2026-10-26.

Conditions:
CCM2-related disorder. Also called: CCM2-related condition.
Cerebral cavernous malformation 2. Also called: Familial Cerebral Cavernous Malformation 2. Identifiers: Orphanet 221061, MedGen C1864041, MONDO:0011304, OMIM 603284.

Allele frequency attached by ClinVar (database versions not stated): gnomAD 0.00001; gnomAD exomes below 0.00001; TOPMed below 0.00001.
gnomAD v4.1: 3 of 1,613,262 alleles (0.00019%); highest among the groups gnomAD compares: Non-Finnish European, 0.00025%; no homozygotes.

Submissions (3):

GeneDx
Classification: Pathogenic. Last evaluated: 2026-10-26. Review status: criteria provided, single submitter. Criteria: GeneDx Variant Classification Process June 2021. Collection method: clinical testing. Allele origin: germline.
Comment: Nonsense variant predicted to result in protein truncation or nonsense mediated decay in a gene for which loss of function is a known mechanism of disease; Not observed at significant frequency in large population cohorts (gnomAD); This variant is associated with the following publications: (PMID: 23595507, 24466005)

Labcorp Genetics (formerly Invitae), Labcorp
Classification: Pathogenic for Cerebral cavernous malformation 2. Last evaluated: 2026-01-11. Review status: criteria provided, single submitter. Criteria: Invitae Variant Classification Sherloc (09022015). Collection method: clinical testing. Allele origin: germline.
Comment: This sequence change creates a premature translational stop signal (p.Ser280*) in the CCM2 gene. It is expected to result in an absent or disrupted protein product. Loss-of-function variants in CCM2 are known to be pathogenic (PMID: 18300272, 24689081). This variant is not present in population databases (gnomAD no frequency). This premature translational stop signal has been observed in individual(s) with clinical features of cerebral cavernous malformations (PMID: 23595507, 24466005). This variant is also known as NM_001029835.2:c.902C>G (p.S301*). ClinVar contains an entry for this variant (Variation ID: 838138). For these reasons, this variant has been classified as Pathogenic.

PreventionGenetics, part of Exact Sciences
Classification: Likely pathogenic for CCM2-related condition. Last evaluated: 2025-01-21. Review status: criteria provided, single submitter. Criteria: ACMG Guidelines, 2015. Collection method: clinical testing. Allele origin: germline.
Comment: The CCM2 c.839C>G variant is predicted to result in premature protein termination (p.Ser280*). To our knowledge, this variant has not been reported in the literature or in a large population database (gnomAD), indicating this variant is rare. Nonsense variants in CCM2 are expected to be pathogenic. This variant is interpreted as likely pathogenic.

Literature cited by the submitters: PubMed 18300272 (cited by Labcorp Genetics (formerly Invitae), Labcorp); PubMed 24689081 (cited by Labcorp Genetics (formerly Invitae), Labcorp); PubMed 23595507 (cited by Labcorp Genetics (formerly Invitae), Labcorp); PubMed 24466005 (cited by Labcorp Genetics (formerly Invitae), Labcorp).

NM_031443.4(CCM2):c.839C>G (p.Ser280Ter)

Gene: CCM2 (CCM2 scaffold protein; plus strand). Cytogenetic location: 7p13.
Variant type: single nucleotide variant.
Coding change: c.839C>G on transcript NM_031443.4 (MANE Select); coding-DNA position 839, C replaced by G.
Protein change: p.Ser280Ter; replaces serine 280 with a stop codon.
Molecular consequence: nonsense. On other transcripts: non-coding transcript variant (1).
Genome position (GRCh38, 1-based): chr7:45,073,495, C>G. VCF-style: chr7-45073495-C-G. GRCh37 (hg19) VCF-style: chr7-45113094-C-G.
Other names: c.902C>G, p.Ser301Ter (NM_001029835.2); c.665C>G, p.Ser222Ter (NM_001167934.2); c.566C>G, p.Ser189Ter (NM_001167935.2); c.962C>G, p.Ser321Ter (NM_001363458.2); c.788C>G, p.Ser263Ter (NM_001363459.2); short protein forms S222*, S321*, S263*, S189*, S301*, S280*.
Identifiers: ClinVar variation 838138 (VCV000838138.14), dbSNP rs1437280900, ClinGen allele CA367431013.
Genomic context (GRCh38, chr7:45,073,495, plus strand): 5'-GCTCACATACCACATTCTTTCGCAGCTGCTTCCCTGAATCTGTGGATGTGGGTGGTGCAT[C>G]ACCCCACAGCAAGACCATCAGTGAGAGCGAGCTGAGCGCCAGCGCCACTGAGCTGCTGCA-3'